The following is an entry in ClinVar:

NM_182914.3(SYNE2):c.13335G>C (p.Gln4445His)

Gene: SYNE2 (spectrin repeat containing nuclear envelope protein 2; plus strand). Cytogenetic location: 14q23.2.
Variant type: single nucleotide variant.
Coding change: c.13335G>C on transcript NM_182914.3 (MANE Select); coding-DNA position 13335, G replaced by C.
Protein change: p.Gln4445His; replaces glutamine 4445 with histidine.
Molecular consequence: missense variant.
Genome position (GRCh38, 1-based): chr14:64,122,340, G>C. VCF-style: chr14-64122340-G-C. GRCh37 (hg19) VCF-style: chr14-64589058-G-C.
Other names: c.13335G>C, p.Gln4445His (NM_015180.6); short protein forms Q4445H.
Identifiers: ClinVar variation 2765127 (VCV002765127.3), dbSNP rs1334836417, ClinGen allele CA389964225.

ClinVar aggregate classification (germline): Uncertain significance (1 of 4 stars; one submission).

Conditions:
Emery-Dreifuss muscular dystrophy 5, autosomal dominant (EDMD5). Also called: EMERY-DREIFUSS MUSCULAR DYSTROPHY 5. Identifiers: Orphanet 261, MedGen C2751805, MONDO:0013072, OMIM 612999.

Allele frequency attached by ClinVar (database versions not stated): TOPMed below 0.00001; gnomAD 0.00001.
gnomAD v4.1: 1 of 1,613,972 alleles (0.000062%); highest among the groups gnomAD compares: Non-Finnish European, 0.000085%; no homozygotes.

Submission:

Labcorp Genetics (formerly Invitae), Labcorp
Classification: Uncertain significance for Emery-Dreifuss muscular dystrophy 5, autosomal dominant. Last evaluated: 2023-10-04. Review status: criteria provided, single submitter. Criteria: Invitae Variant Classification Sherloc (09022015). Collection method: clinical testing. Allele origin: germline.
Comment: This sequence change replaces glutamine, which is neutral and polar, with histidine, which is basic and polar, at codon 4445 of the SYNE2 protein (p.Gln4445His). This variant is not present in population databases (gnomAD no frequency). This variant has not been reported in the literature in individuals affected with SYNE2-related conditions. Algorithms developed to predict the effect of missense changes on protein structure and function output the following: SIFT: "Not Available"; PolyPhen-2: "Possibly Damaging"; Align-GVGD: "Not Available". The histidine amino acid residue is found in multiple mammalian species, which suggests that this missense change does not adversely affect protein function. In summary, the available evidence is currently insufficient to determine the role of this variant in disease. Therefore, it has been classified as a Variant of Uncertain Significance.